The following is an entry in ClinVar:

NM_144992.5(VWA3B):c.978del (p.Lys326fs)

Genes: VWA3B (von Willebrand factor A domain containing 3B; plus strand), LOC126806278 (P300/CBP strongly-dependent group 1 enhancer GRCh37_chr2:98750133-98751332; plus strand). Cytogenetic location: 2q11.2.
Variant type: Deletion.
Coding change: c.978del on transcript NM_144992.5 (MANE Select); coding-DNA position 978, one base deleted (A; older notation c.978delA).
Protein change: p.Lys326fs; shifts the reading frame from lysine 326.
Molecular consequence: frameshift variant. On other transcripts: non-coding transcript variant (2).
Genome position (GRCh38, 1-based): chr2:98,133,929, A deleted; the last of 4 consecutive A bases (chr2:98,133,926-98,133,929); deleting any one gives the same sequence. VCF-style (leftmost placement, unchanged base first): chr2-98133925-GA-G. GRCh37 (hg19) VCF-style: chr2-98750388-GA-G.
Other names: c.978delA (NM_144992.5); short protein forms K326fs.
Identifiers: ClinVar variation 4848270 (VCV004848270.1).

ClinVar aggregate classification (germline): Uncertain significance (1 of 4 stars; one submission).

Submission:

Women's Health and Genetics/Laboratory Corporation of America, LabCorp
Classification: Uncertain significance. Last evaluated: 2026-02-17. Review status: criteria provided, single submitter. Criteria: LabCorp Variant Classification Summary - May 2015. Collection method: clinical testing. Allele origin: germline.
Comment: Variant summary: VWA3B c.978delA (p.Lys326AsnfsX74) results in a premature termination codon, predicted to cause a truncation of the encoded protein or absence of the protein due to nonsense mediated decay, however current evidence is not sufficient to establish loss of function as a mechanism for disease. The variant allele was found at a frequency of 1.2e-05 in 249562 control chromosomes. The available data on variant occurrences in the general population are insufficient to allow any conclusion about variant significance. To our knowledge, no occurrence of c.978delA in individuals affected with VWA3B-related conditions and no experimental evidence demonstrating its impact on protein function have been reported. No submitters have cited clinical-significance assessments for this variant to ClinVar. Based on the evidence outlined above, the variant was classified as uncertain significance.